The following is an entry in ClinVar:

NM_005076.5(CNTN2):c.2954G>A (p.Arg985Gln)

Genes: CNTN2 (contactin 2; plus strand), LOC126805985 (MED14-independent group 3 enhancer GRCh37_chr1:205041546-205042745; plus strand). Cytogenetic location: 1q32.1.
Variant type: single nucleotide variant.
Coding change: c.2954G>A on transcript NM_005076.5 (MANE Select); coding-DNA position 2954, G replaced by A.
Protein change: p.Arg985Gln; replaces arginine 985 with glutamine.
Molecular consequence: missense variant. On other transcripts: non-coding transcript variant (1).
Genome position (GRCh38, 1-based): chr1:205,073,177, G>A. VCF-style: chr1-205073177-G-A. GRCh37 (hg19) VCF-style: chr1-205042305-G-A.
Other names: c.2954G>A, p.Arg985Gln (NM_001346083.2); short protein forms R985Q.
Identifiers: ClinVar variation 1359515 (VCV001359515.8), dbSNP rs1348228431, ClinGen allele CA344383501.
Genomic context (GRCh38, chr1:205,073,177, plus strand): 5'-GCAAGAACTGGATAGAAATCCCAGTGCCTGAAGACATTGGCCATGCCCTGGTACAAATTC[G>A]GACCACAGGGCCCGGAGGGGATGGGATCCCTGCAGAAGTCCACATCGTGAGGAATGGAGG-3'
Protein context (NP_005067.1, residues 975-995): EDIGHALVQI[Arg985Gln]TTGPGGDGIP

ClinVar aggregate classification (germline): Uncertain significance (1 of 4 stars; one submission).

Conditions:
Epilepsy, familial adult myoclonic, 5 (EPEO5). Also called: CORTICAL MYOCLONIC TREMOR WITH EPILEPSY, FAMILIAL, 5. Identifiers: Orphanet 86814, MedGen C3809374, MONDO:0014167, OMIM 615400.

Allele frequency attached by ClinVar (database versions not stated): gnomAD exomes below 0.00001; TOPMed below 0.00001.
gnomAD v4.1: 3 of 1,614,024 alleles (0.00019%); highest among the groups gnomAD compares: East Asian, 0.0045%; no homozygotes.

Submission:

Labcorp Genetics (formerly Invitae), Labcorp
Classification: Uncertain significance for Epilepsy, familial adult myoclonic, 5. Last evaluated: 2022-02-20. Review status: criteria provided, single submitter. Criteria: Invitae Variant Classification Sherloc (09022015). Collection method: clinical testing. Allele origin: germline.
Comment: This sequence change replaces arginine, which is basic and polar, with glutamine, which is neutral and polar, at codon 985 of the CNTN2 protein (p.Arg985Gln). The frequency data for this variant in the population databases is considered unreliable, as metrics indicate poor data quality at this position in the gnomAD database. This variant has not been reported in the literature in individuals affected with CNTN2-related conditions. Advanced modeling of protein sequence and biophysical properties (such as structural, functional, and spatial information, amino acid conservation, physicochemical variation, residue mobility, and thermodynamic stability) performed at Invitae indicates that this missense variant is not expected to disrupt CNTN2 protein function. Algorithms developed to predict the effect of sequence changes on RNA splicing suggest that this variant may create or strengthen a splice site. In summary, the available evidence is currently insufficient to determine the role of this variant in disease. Therefore, it has been classified as a Variant of Uncertain Significance.